The following is an entry in ClinVar:

NM_002839.4(PTPRD):c.3550A>C (p.Arg1184=)

Gene: PTPRD (protein tyrosine phosphatase receptor type D; minus strand). Cytogenetic location: 9p24.1.
Variant type: single nucleotide variant.
Coding change: c.3550A>C on transcript NM_002839.4 (MANE Select); coding-DNA position 3550, A replaced by C.
Protein change: p.Arg1184=; no amino-acid change (arginine 1184 retained).
Molecular consequence: synonymous variant.
Genome position (GRCh38, 1-based): chr9:8,465,630, T>G on the plus strand (A>C on the coding strand, the complement: PTPRD is on the minus strand). VCF-style: chr9-8465630-T-G. GRCh37 (hg19) VCF-style: chr9-8465630-T-G.
Other names: c.2308A>C, p.Arg770= (NM_001040712.2); c.2287A>C, p.Arg763= (NM_001171025.2); c.2299A>C, p.Arg767= (NM_001377946.1); c.2311A>C, p.Arg771= (NM_001377947.1); c.3553A>C, p.Arg1185= (NM_001377958.1); c.3550A>C, p.Arg1184= (NM_001378058.1); c.2317A>C, p.Arg773= (NM_130391.4, NM_130392.3); c.2302A>C, p.Arg768= (NM_130393.3).
Identifiers: ClinVar variation 3046653 (VCV003046653.2), dbSNP rs140976651, ClinGen allele CA4983757.

ClinVar aggregate classification (germline): Likely benign (0 of 4 stars; one submission).

Conditions:
PTPRD-related disorder. Also called: PTPRD-related condition.

Allele frequency attached by ClinVar (database versions not stated): gnomAD exomes 0.00004; ExAC 0.00015; 1000 Genomes Project 30x 0.00016; 1000 Genomes Project 0.00020; gnomAD 0.00046; TOPMed 0.00047; ESP Exome Variant Server 0.00069.

Submission:

PreventionGenetics, part of Exact Sciences
Classification: Likely benign for PTPRD-related condition. Last evaluated: 2019-04-05. Review status: no assertion criteria provided. Collection method: clinical testing. Allele origin: germline.
Comment: This variant is classified as likely benign based on ACMG/AMP sequence variant interpretation guidelines (Richards et al. 2015 PMID: 25741868, with internal and published modifications).